The following is an entry in ClinVar:

ClinVar aggregate classification (germline): Likely benign (0 of 4 stars; one submission).

Conditions:
UBR3-related disorder. Also called: UBR3-related condition.

Allele frequency attached by ClinVar (database versions not stated): 1000 Genomes Project 0.00060; 1000 Genomes Project 30x 0.00062; ESP Exome Variant Server 0.00069; TOPMed 0.00069; ExAC 0.00073; gnomAD 0.00098; gnomAD exomes 0.00105.
gnomAD v4.1: 1,681 of 1,613,646 alleles (0.1%); highest among the groups gnomAD compares: Non-Finnish European, 0.11%; 1 homozygote.

Submission:

PreventionGenetics, part of Exact Sciences
Classification: Likely benign for UBR3-related condition. Last evaluated: 2019-07-19. Review status: no assertion criteria provided. Collection method: clinical testing. Allele origin: germline.
Comment: This variant is classified as likely benign based on ACMG/AMP sequence variant interpretation guidelines (Richards et al. 2015 PMID: 25741868, with internal and published modifications).

NM_172070.4(UBR3):c.3451C>T (p.Arg1151Cys)

Gene: UBR3 (ubiquitin protein ligase E3 component n-recognin 3; plus strand). Cytogenetic location: 2q31.1.
Variant type: single nucleotide variant.
Coding change: c.3451C>T on transcript NM_172070.4 (MANE Select); coding-DNA position 3451, C replaced by T.
Protein change: p.Arg1151Cys; replaces arginine 1151 with cysteine.
Molecular consequence: missense variant.
Genome position (GRCh38, 1-based): chr2:169,949,971, C>T. VCF-style: chr2-169949971-C-T. GRCh37 (hg19) VCF-style: chr2-170806481-C-T.
Other names: short protein forms R1151C.
Identifiers: ClinVar variation 3049374 (VCV003049374.2), dbSNP rs35266383, ClinGen allele CA1960020.